The following is an entry in ClinVar:

ClinVar aggregate classification (germline): Uncertain significance (1 of 4 stars; one submission).

Conditions:
Charcot-Marie-Tooth disease type 2. Also called: Charcot-Marie-Tooth type 2. Identifiers: Orphanet 64746, MedGen C0270914, MONDO:0018993.

Allele frequency attached by ClinVar (database versions not stated): gnomAD 0.00001 and 0.00003; TOPMed 0.00001.
gnomAD v4.1: 22 of 1,613,826 alleles (0.0014%); highest among the groups gnomAD compares: East Asian, 0.047%; no homozygotes.

Submission:

Labcorp Genetics (formerly Invitae), Labcorp
Classification: Uncertain significance for Charcot-Marie-Tooth disease type 2. Last evaluated: 2023-10-13. Review status: criteria provided, single submitter. Criteria: Invitae Variant Classification Sherloc (09022015). Collection method: clinical testing. Allele origin: germline.
Comment: This sequence change replaces serine, which is neutral and polar, with cysteine, which is neutral and slightly polar, at codon 3 of the AARS protein (p.Ser3Cys). This variant is present in population databases (no rsID available, gnomAD 0.06%). This variant has not been reported in the literature in individuals affected with AARS-related conditions. ClinVar contains an entry for this variant (Variation ID: 1682340). An algorithm developed to predict the effect of missense changes on protein structure and function (PolyPhen-2) suggests that this variant is likely to be tolerated. In summary, the available evidence is currently insufficient to determine the role of this variant in disease. Therefore, it has been classified as a Variant of Uncertain Significance.

NM_001605.3(AARS1):c.8C>G (p.Ser3Cys)

Gene: AARS1 (alanyl-tRNA synthetase 1; minus strand). Cytogenetic location: 16q22.1.
Variant type: single nucleotide variant.
Coding change: c.8C>G on transcript NM_001605.3 (MANE Select); coding-DNA position 8, C replaced by G.
Protein change: p.Ser3Cys; replaces serine 3 with cysteine.
Molecular consequence: missense variant.
Genome position (GRCh38, 1-based): chr16:70,282,756, G>C on the plus strand (C>G on the coding strand, the complement: AARS1 is on the minus strand). VCF-style: chr16-70282756-G-C. GRCh37 (hg19) VCF-style: chr16-70316659-G-C.
Other names: short protein forms S3C.
Identifiers: ClinVar variation 1682340 (VCV001682340.6), dbSNP rs946227383, ClinGen allele CA283454029.